The following is an entry in ClinVar:

NM_024426.6(WT1):c.419C>T (p.Pro140Leu)

Genes: WT1 (WT1 transcription factor; minus strand), LOC107982234 (WT1/WT1-AS bi-directional promoter region; plus strand). Cytogenetic location: 11p13.
Variant type: single nucleotide variant.
Coding change: c.419C>T on transcript NM_024426.6 (MANE Select); coding-DNA position 419, C replaced by T.
Protein change: p.Pro140Leu; replaces proline 140 with leucine.
Molecular consequence: missense variant. On other transcripts: non-coding transcript variant (1).
Genome position (GRCh38, 1-based): chr11:32,434,942, G>A on the plus strand (C>T on the coding strand, the complement: WT1 is on the minus strand). VCF-style: chr11-32434942-G-A. GRCh37 (hg19) VCF-style: chr11-32456488-G-A.
Other names: c.419C>T, p.Pro140Leu (NM_000378.6, NM_024424.5); short protein forms P140L.
Identifiers: ClinVar variation 656161 (VCV000656161.11), dbSNP rs1164390603, ClinGen allele CA379965710.

ClinVar aggregate classification (germline): Uncertain significance. Review status: criteria provided, multiple submitters, no conflicts (2 of 4 stars). 3 submissions from 3 submitters: Uncertain significance (3). Last evaluated 2026-01-07.

Conditions:
Wilms tumor 1 (WT1). Also called: Wilms tumor, somatic. Identifiers: Orphanet 654, MedGen CN033288, MONDO:0008679, OMIM 194070.
Frasier syndrome. Identifiers: Orphanet 347, MedGen C0950122, MeSH D052159, MONDO:0007635, OMIM 136680.
Drash syndrome (DDS). Also called: NEPHROPATHY, WILMS TUMOR, AND GENITAL ANOMALIES; WILMS TUMOR AND PSEUDO- OR TRUE HERMAPHRODITISM. Identifiers: Orphanet 220, MedGen C0950121, MONDO:0008682, OMIM 194080.
11p partial monosomy syndrome (WAGR). Also called: WAGR Complex; CHROMOSOME 11p13 DELETION SYNDROME; WAGR Spectrum Disorder; WAGR syndrome. Identifiers: Orphanet 893, MedGen C0206115, MONDO:0008681, OMIM 194072.
Inborn genetic diseases. Identifiers: MedGen C0950123, MeSH D030342.

Allele frequency attached by ClinVar (database versions not stated): gnomAD exomes 0.00001; gnomAD 0.00003.
gnomAD v4.1: 13 of 1,582,396 alleles (0.00082%); highest among the groups gnomAD compares: Non-Finnish European, 0.00026%; no homozygotes.

Submissions (3):

Ambry Genetics
Classification: Uncertain significance for Inborn genetic diseases. Last evaluated: 2026-01-07. Review status: criteria provided, single submitter. Criteria: Ambry Variant Classification Scheme 2023. Collection method: clinical testing. Allele origin: germline.
Comment: The p.P135L variant (also known as c.404C>T), located in coding exon 1 of the WT1 gene, results from a C to T substitution at nucleotide position 404. The proline at codon 135 is replaced by leucine, an amino acid with similar properties. This amino acid position is highly conserved in available vertebrate species. In addition, the in silico prediction for this alteration is inconclusive. Based on the available evidence, the clinical significance of this variant remains unclear.

All of Us Research Program, National Institutes of Health
Classification: Uncertain significance for Wilms tumor 1. Last evaluated: 2024-04-16. Review status: criteria provided, single submitter. Criteria: ACMG Guidelines, 2015. Collection method: clinical testing. Allele origin: germline. Inheritance: Autosomal dominant inheritance. Observed: 1 variant allele, 1 heterozygote.
Comment: This missense variant replaces proline with leucine at codon 135 of the WT1 protein. Computational prediction suggests that this variant may not impact protein structure and function. To our knowledge, functional studies have not been reported for this variant. This variant has not been reported in individuals affected with WT1-related disorders in the literature. This variant has been identified in 3/210992 chromosomes in the general population by the Genome Aggregation Database (gnomAD). The available evidence is insufficient to determine the role of this variant in disease conclusively. Therefore, this variant is classified as a Variant of Uncertain Significance.

This study involves interpretation of variants in research participants for the purpose of population health screening. Participant phenotype was not available at the time of variant classification. Additional details can be found in publication PMID: 35346344, PMCID: PMC8962531

Labcorp Genetics (formerly Invitae), Labcorp
Classification: Uncertain significance for Wilms tumor 1; Drash syndrome; 11p partial monosomy syndrome; Frasier syndrome. Last evaluated: 2022-12-06. Review status: criteria provided, single submitter. Criteria: Invitae Variant Classification Sherloc (09022015). Collection method: clinical testing. Allele origin: germline.
Comment: The frequency data for this variant in the population databases is considered unreliable, as metrics indicate poor data quality at this position in the gnomAD database. This sequence change replaces proline, which is neutral and non-polar, with leucine, which is neutral and non-polar, at codon 135 of the WT1 protein (p.Pro135Leu). In summary, the available evidence is currently insufficient to determine the role of this variant in disease. Therefore, it has been classified as a Variant of Uncertain Significance. Advanced modeling of protein sequence and biophysical properties (such as structural, functional, and spatial information, amino acid conservation, physicochemical variation, residue mobility, and thermodynamic stability) performed at Invitae indicates that this missense variant is not expected to disrupt WT1 protein function. ClinVar contains an entry for this variant (Variation ID: 656161). This variant has not been reported in the literature in individuals affected with WT1-related conditions.